The following is an entry in ClinVar:

NM_001267550.2(TTN):c.101761C>T (p.His33921Tyr)

Genes: TTN (titin; minus strand), TTN-AS1 (TTN antisense RNA 1; plus strand). Cytogenetic location: 2q31.2.
Variant type: single nucleotide variant.
Coding change: c.101761C>T on transcript NM_001267550.2 (MANE Select); coding-DNA position 101761, C replaced by T.
Protein change: p.His33921Tyr; replaces histidine 33921 with tyrosine.
Molecular consequence: missense variant.
Genome position (GRCh38, 1-based): chr2:178,534,854, G>A on the plus strand (C>T on the coding strand, the complement: TTN is on the minus strand). VCF-style: chr2-178534854-G-A. GRCh37 (hg19) VCF-style: chr2-179399581-G-A.
Other names: c.96838C>T, p.His32280Tyr (NM_001256850.1); c.74566C>T, p.His24856Tyr (NM_003319.4); c.94057C>T, p.His31353Tyr (NM_133378.4); c.74941C>T, p.His24981Tyr (NM_133432.3); c.75142C>T, p.His25048Tyr (NM_133437.4); short protein forms H32280Y, H24981Y, H25048Y, H24856Y, H31353Y, H33921Y.
Identifiers: ClinVar variation 2926430 (VCV002926430.3), dbSNP rs1410541718, ClinGen allele CA349419627.

ClinVar aggregate classification (germline): Uncertain significance (1 of 4 stars; one submission).

Conditions:
Dilated cardiomyopathy 1G (CMD1G). Identifiers: Orphanet 154, MedGen C1858763, MONDO:0011400, OMIM 604145.
Autosomal recessive limb-girdle muscular dystrophy type 2J (LGMDR10). Also called: Limb-girdle muscular dystrophy, type 2J; MUSCULAR DYSTROPHY, LIMB-GIRDLE, AUTOSOMAL RECESSIVE 10. Identifiers: Orphanet 140922, MedGen C1837342, MONDO:0012127, OMIM 608807.

Allele frequency attached by ClinVar (database versions not stated): gnomAD exomes below 0.00001.
gnomAD v4.1: 3 of 1,608,702 alleles (0.00019%); highest among the groups gnomAD compares: Non-Finnish European, 0.00025%; no homozygotes.

Submission:

Labcorp Genetics (formerly Invitae), Labcorp
Classification: Uncertain significance for Dilated cardiomyopathy 1G; Autosomal recessive limb-girdle muscular dystrophy type 2J. Last evaluated: 2023-05-19. Review status: criteria provided, single submitter. Criteria: Invitae Variant Classification Sherloc (09022015). Collection method: clinical testing. Allele origin: germline.
Comment: This sequence change replaces histidine, which is basic and polar, with tyrosine, which is neutral and polar, at codon 33921 of the TTN protein (p.His33921Tyr). This variant is present in population databases (no rsID available, gnomAD 0.0009%). This variant has not been reported in the literature in individuals affected with TTN-related conditions. Experimental studies and prediction algorithms are not available or were not evaluated, and the functional significance of this variant is currently unknown. This variant is located in the M band of TTN (PMID: 25589632). Variants in this region may be relevant for neuromuscular disorders, but have not been definitively shown to cause cardiomyopathy (PMID: 23975875). In summary, the available evidence is currently insufficient to determine the role of this variant in disease. Therefore, it has been classified as a Variant of Uncertain Significance.

Literature cited by the submitters: PubMed 25589632; PubMed 23975875.